The following is an entry in ClinVar:

NM_032538.3(TTBK1):c.2080G>A (p.Asp694Asn)

Gene: TTBK1 (tau tubulin kinase 1; plus strand). Cytogenetic location: 6p21.1.
Variant type: single nucleotide variant.
Coding change: c.2080G>A on transcript NM_032538.3 (MANE Select); coding-DNA position 2080, G replaced by A.
Protein change: p.Asp694Asn; replaces aspartic acid 694 with asparagine.
Molecular consequence: missense variant.
Genome position (GRCh38, 1-based): chr6:43,282,820, G>A. VCF-style: chr6-43282820-G-A. GRCh37 (hg19) VCF-style: chr6-43250558-G-A.
Other names: short protein forms D694N.
Identifiers: ClinVar variation 2656591 (VCV002656591.24), dbSNP rs114539464, ClinGen allele CA3819779.

ClinVar aggregate classification (germline): Likely benign (1 of 4 stars; one submission).

Allele frequency attached by ClinVar (database versions not stated): 1000 Genomes Project 30x 0.00094; 1000 Genomes Project 0.00100; gnomAD 0.00286; ExAC 0.00319; ESP Exome Variant Server 0.00469.
gnomAD v4.1: 6,853 of 1,614,024 alleles (0.42%); highest among the groups gnomAD compares: Middle Eastern, 1.1%; 19 homozygotes.

Submission:

CeGaT Center for Human Genetics Tuebingen
Classification: Likely benign. Last evaluated: 2023-03-01. Review status: criteria provided, single submitter. Criteria: CeGaT Center For Human Genetics Tuebingen Variant Classification Criteria Version 2. Collection method: clinical testing. Allele origin: germline. Affected: yes. Observed: 1 variant allele.
Comment: TTBK1: BS2